The following is an entry in ClinVar:

ClinVar aggregate classification (germline): Uncertain significance. Review status: criteria provided, multiple submitters, no conflicts (2 of 4 stars). 2 submissions from 2 submitters: Uncertain significance (2). Last evaluated 2026-02-27.

Submissions (2):

GeneDx
Classification: Uncertain significance. Last evaluated: 2026-02-27. Review status: criteria provided, single submitter. Criteria: GeneDx Variant Classification Process June 2021. Collection method: clinical testing. Allele origin: germline.
Comment: Not observed at significant frequency in large population cohorts (gnomAD); In silico analysis supports that this missense variant has a deleterious effect on protein structure/function; Has not been previously published as pathogenic or benign to our knowledge

CeGaT Center for Human Genetics Tuebingen
Classification: Uncertain significance. Last evaluated: 2024-07-01. Review status: criteria provided, single submitter. Criteria: CeGaT Center For Human Genetics Tuebingen Variant Classification Criteria Version 2. Collection method: clinical testing. Allele origin: germline. Affected: yes. Observed: 1 variant allele.
Comment: TRPC6: PM2, PP3

NM_004621.6(TRPC6):c.1888A>G (p.Thr630Ala)

Gene: TRPC6 (transient receptor potential cation channel subfamily C member 6; minus strand). Cytogenetic location: 11q22.1.
Variant type: single nucleotide variant.
Coding change: c.1888A>G on transcript NM_004621.6 (MANE Select); coding-DNA position 1888, A replaced by G.
Protein change: p.Thr630Ala; replaces threonine 630 with alanine.
Molecular consequence: missense variant.
Genome position (GRCh38, 1-based): chr11:101,473,630, T>C on the plus strand (A>G on the coding strand, the complement: TRPC6 is on the minus strand). VCF-style: chr11-101473630-T-C. GRCh37 (hg19) VCF-style: chr11-101344361-T-C.
Other names: short protein forms T630A.
Identifiers: ClinVar variation 1804246 (VCV001804246.20), dbSNP rs61745699, ClinGen allele CA382440235.